The following is an entry in ClinVar:

ClinVar aggregate classification (germline): Pathogenic (1 of 4 stars; one submission).

Submission:

Labcorp Genetics (formerly Invitae), Labcorp
Classification: Pathogenic. Last evaluated: 2025-04-11. Review status: criteria provided, single submitter. Criteria: Invitae Variant Classification Sherloc (09022015). Collection method: clinical testing. Allele origin: germline.
Comment: This sequence change creates a premature translational stop signal (p.Glu1663Aspfs*47) in the RP1 gene. While this is not anticipated to result in nonsense mediated decay, it is expected to disrupt the last 494 amino acid(s) of the RP1 protein. This variant is not present in population databases (gnomAD no frequency). This variant has not been reported in the literature in individuals affected with RP1-related conditions. This variant disrupts the C-terminus of the RP1 protein. Many variants that disrupt this region have been reported in individuals with either autosomal dominant or autosomal recessive retinitis pigmentosa (PMID: 11527933, 19933189, 29425069, 30027431, 33681214). Therefore, variants that disrupt this region are expected to be disease-causing. For these reasons, this variant has been classified as Pathogenic.

Literature cited by the submitters: PubMed 11527933; PubMed 19933189; PubMed 29425069; PubMed 30027431; PubMed 33681214.

NM_006269.2(RP1):c.4989del (p.Glu1663fs)

Genes: RP1 (RP1 axonemal microtubule associated; plus strand), LOC126860392 (CDK7 strongly-dependent group 2 enhancer GRCh37_chr8:55541319-55542518; plus strand). Cytogenetic location: 8q12.1.
Variant type: Deletion.
Coding change: c.4989del on transcript NM_006269.2 (MANE Select); coding-DNA position 4989, one base deleted (A; older notation c.4989delA).
Protein change: p.Glu1663fs; shifts the reading frame from glutamic acid 1663.
Molecular consequence: frameshift variant. On other transcripts: intron variant (1).
Genome position (GRCh38, 1-based): chr8:54,628,871, A deleted; the last of 2 consecutive A bases (chr8:54,628,870-54,628,871); deleting either gives the same sequence. VCF-style (leftmost placement, unchanged base first): chr8-54628869-GA-G. GRCh37 (hg19) VCF-style: chr8-55541429-GA-G.
Other names: c.787+6583del (NM_001375654.1); short protein forms E1663fs.
Identifiers: ClinVar variation 4811323 (VCV004811323.1).
Genomic context (GRCh38, chr8:54,628,869, plus strand): 5'-AAACCATCTTTTTTTCCTGGGTCTACCCGCAAATCTCAGGTTTGTCCTTATAATTCTGTG[GA>G]ATTTCAGTGTTCCAGGAAAGCAAGTCTTTATGATTCTGAAGGGCAGTCATTTGGCTCTTC-3'